The following is an entry in ClinVar:

ClinVar aggregate classification (germline): Uncertain significance (1 of 4 stars; one submission).

Conditions:
Congenital myasthenic syndrome 17. Identifiers: Orphanet 590, MedGen C4225377, MONDO:0014578, OMIM 616304.
Cenani-Lenz syndactyly syndrome. Also called: SYNDACTYLY, TYPE VII; CENANI SYNDACTYLISM. Identifiers: Orphanet 3258, MedGen C1859309, MONDO:0008931, OMIM 212780.
Sclerosteosis 2 (SOST2). Identifiers: Orphanet 3152, MedGen C3280402, MONDO:0013679, OMIM 614305.

Allele frequency attached by ClinVar (database versions not stated): TOPMed below 0.00001; gnomAD 0.00001.
gnomAD v4.1: 1 of 1,614,070 alleles (0.000062%); highest among the groups gnomAD compares: East Asian, 0.0022%; no homozygotes.

Submission:

Labcorp Genetics (formerly Invitae), Labcorp
Classification: Uncertain significance for Cenani-Lenz syndactyly syndrome; Sclerosteosis 2; Congenital myasthenic syndrome 17. Last evaluated: 2022-06-23. Review status: criteria provided, single submitter. Criteria: Invitae Variant Classification Sherloc (09022015). Collection method: clinical testing. Allele origin: germline.
Comment: This variant has not been reported in the literature in individuals affected with LRP4-related conditions. This variant is not present in population databases (gnomAD no frequency). This sequence change replaces glutamic acid, which is acidic and polar, with glutamine, which is neutral and polar, at codon 1505 of the LRP4 protein (p.Glu1505Gln). Algorithms developed to predict the effect of missense changes on protein structure and function are either unavailable or do not agree on the potential impact of this missense change (SIFT: "Deleterious"; PolyPhen-2: "Benign"; Align-GVGD: "Class C0"). In summary, the available evidence is currently insufficient to determine the role of this variant in disease. Therefore, it has been classified as a Variant of Uncertain Significance.

NM_002334.4(LRP4):c.4513G>C (p.Glu1505Gln)

Genes: LRP4 (LDL receptor related protein 4; minus strand), LRP4-AS1 (LRP4 antisense RNA 1; plus strand). Cytogenetic location: 11p11.2.
Variant type: single nucleotide variant.
Coding change: c.4513G>C on transcript NM_002334.4 (MANE Select); coding-DNA position 4513, G replaced by C.
Protein change: p.Glu1505Gln; replaces glutamic acid 1505 with glutamine.
Molecular consequence: missense variant. On other transcripts: non-coding transcript variant (1).
Genome position (GRCh38, 1-based): chr11:46,873,170, C>G on the plus strand (G>C on the coding strand, the complement: LRP4 is on the minus strand). VCF-style: chr11-46873170-C-G. GRCh37 (hg19) VCF-style: chr11-46894721-C-G.
Other names: short protein forms E1505Q.
Identifiers: ClinVar variation 2143049 (VCV002143049.4), dbSNP rs1257825434, ClinGen allele CA380267463.